The following is an entry in ClinVar:

NM_006996.3(SLC19A2):c.191T>C (p.Leu64Pro)

Gene: SLC19A2 (solute carrier family 19 member 2; minus strand). Cytogenetic location: 1q24.2.
Variant type: single nucleotide variant.
Coding change: c.191T>C on transcript NM_006996.3 (MANE Select); coding-DNA position 191, T replaced by C.
Protein change: p.Leu64Pro; replaces leucine 64 with proline.
Molecular consequence: missense variant.
Genome position (GRCh38, 1-based): chr1:169,485,576, A>G on the plus strand (T>C on the coding strand, the complement: SLC19A2 is on the minus strand). VCF-style: chr1-169485576-A-G. GRCh37 (hg19) VCF-style: chr1-169454814-A-G.
Other names: c.191T>C, p.Leu64Pro (NM_001319667.1); short protein forms L64P.
Identifiers: ClinVar variation 2169485 (VCV002169485.4), dbSNP rs1658540031, ClinGen allele CA343112093.

ClinVar aggregate classification (germline): Likely pathogenic (1 of 4 stars; one submission).

Allele frequency attached by ClinVar (database versions not stated): gnomAD exomes below 0.00001; TOPMed below 0.00001.

Submission:

Labcorp Genetics (formerly Invitae), Labcorp
Classification: Likely pathogenic. Last evaluated: 2022-10-02. Review status: criteria provided, single submitter. Criteria: Invitae Variant Classification Sherloc (09022015). Collection method: clinical testing. Allele origin: germline.
Comment: Advanced modeling of protein sequence and biophysical properties (such as structural, functional, and spatial information, amino acid conservation, physicochemical variation, residue mobility, and thermodynamic stability) performed at Invitae indicates that this missense variant is expected to disrupt SLC19A2 protein function. This missense change has been observed in individual(s) with thiamine-responsive megaloblastic anemia syndrome (PMID: 29450569). This variant is not present in population databases (gnomAD no frequency). This sequence change replaces leucine, which is neutral and non-polar, with proline, which is neutral and non-polar, at codon 64 of the SLC19A2 protein (p.Leu64Pro). In summary, the currently available evidence indicates that the variant is pathogenic, but additional data are needed to prove that conclusively. Therefore, this variant has been classified as Likely Pathogenic.

Literature cited by the submitters: PubMed 29450569.